The following is an entry in ClinVar:

NM_000321.3(RB1):c.1207T>A (p.Tyr403Asn)

Gene: RB1 (RB transcriptional corepressor 1; plus strand). Cytogenetic location: 13q14.2.
Variant type: single nucleotide variant.
Coding change: c.1207T>A on transcript NM_000321.3 (MANE Select); coding-DNA position 1207, T replaced by A.
Protein change: p.Tyr403Asn; replaces tyrosine 403 with asparagine.
Molecular consequence: missense variant.
Genome position (GRCh38, 1-based): chr13:48,373,484, T>A. VCF-style: chr13-48373484-T-A. GRCh37 (hg19) VCF-style: chr13-48947620-T-A.
Other names: short protein forms Y403N.
Identifiers: ClinVar variation 1503797 (VCV001503797.8), dbSNP rs2138131325, ClinGen allele CA388161674.

ClinVar aggregate classification (germline): Uncertain significance (1 of 4 stars; one submission).

Conditions:
Retinoblastoma (RB1). Also called: RETINOBLASTOMA, SOMATIC. Identifiers: Orphanet 790, MedGen C0035335, MeSH D012175, MONDO:0008380, OMIM 180200, HP:0009919. Disease mechanism: loss of function. Inheritance: Both sporadic and heritable forms are tested..

Submission:

Labcorp Genetics (formerly Invitae), Labcorp
Classification: Uncertain significance for Retinoblastoma. Last evaluated: 2021-07-06. Review status: criteria provided, single submitter. Criteria: Invitae Variant Classification Sherloc (09022015). Collection method: clinical testing. Allele origin: germline.
Comment: In summary, the available evidence is currently insufficient to determine the role of this variant in disease. Therefore, it has been classified as a Variant of Uncertain Significance. This sequence change replaces tyrosine with asparagine at codon 403 of the RB1 protein (p.Tyr403Asn). The tyrosine residue is highly conserved and there is a large physicochemical difference between tyrosine and asparagine. This variant is not present in population databases (ExAC no frequency). This variant has not been reported in the literature in individuals affected with RB1-related conditions. Advanced modeling of protein sequence and biophysical properties (such as structural, functional, and spatial information, amino acid conservation, physicochemical variation, residue mobility, and thermodynamic stability) performed at Invitae indicates that this missense variant is expected to disrupt RB1 protein function.